The following is an entry in ClinVar:

NM_004482.4(GALNT3):c.1626+2T>G

Gene: GALNT3 (polypeptide N-acetylgalactosaminyltransferase 3; minus strand). Cytogenetic location: 2q24.3.
Variant type: single nucleotide variant.
Coding change: c.1626+2T>G on transcript NM_004482.4 (MANE Select); the canonical splice donor site of the intron after coding-DNA position 1626, T replaced by G.
Molecular consequence: splice donor variant.
Genome position (GRCh38, 1-based): chr2:165,754,625, A>C on the plus strand (T>G on the coding strand, the complement: GALNT3 is on the minus strand). VCF-style: chr2-165754625-A-C. GRCh37 (hg19) VCF-style: chr2-166611135-A-C.
Identifiers: ClinVar variation 2845365 (VCV002845365.3), dbSNP rs2467861939, ClinGen allele CA349031815.

ClinVar aggregate classification (germline): Likely pathogenic (1 of 4 stars; one submission).

Allele frequency attached by ClinVar (database versions not stated): gnomAD exomes below 0.00001.
gnomAD v4.1: 2 of 1,604,546 alleles (0.00012%); highest among the groups gnomAD compares: Non-Finnish European, 0.00017%; no homozygotes.

Submission:

Labcorp Genetics (formerly Invitae), Labcorp
Classification: Likely pathogenic. Last evaluated: 2023-05-08. Review status: criteria provided, single submitter. Criteria: Invitae Variant Classification Sherloc (09022015). Collection method: clinical testing. Allele origin: germline.
Comment: This sequence change affects a donor splice site in intron 9 of the GALNT3 gene. It is expected to disrupt RNA splicing. Variants that disrupt the donor or acceptor splice site typically lead to a loss of protein function (PMID: 16199547), and loss-of-function variants in GALNT3 are known to be pathogenic (PMID: 15133511, 20358599). This variant is not present in population databases (gnomAD no frequency). In summary, the currently available evidence indicates that the variant is pathogenic, but additional data are needed to prove that conclusively. Therefore, this variant has been classified as Likely Pathogenic. Algorithms developed to predict the effect of sequence changes on RNA splicing suggest that this variant may disrupt the consensus splice site. This variant has not been reported in the literature in individuals affected with GALNT3-related conditions.

Literature cited by the submitters: PubMed 16199547; PubMed 15133511; PubMed 20358599.